The following is an entry in ClinVar:

NM_014516.4(CNOT3):c.2038-10C>T

Gene: CNOT3 (CCR4-NOT transcription complex subunit 3; plus strand). Cytogenetic location: 19q13.42.
Variant type: single nucleotide variant.
Coding change: c.2038-10C>T on transcript NM_014516.4 (MANE Select); 10 bases into the intron before coding-DNA position 2038, C replaced by T.
Molecular consequence: intron variant.
Genome position (GRCh38, 1-based): chr19:54,153,705, C>T. VCF-style: chr19-54153705-C-T. GRCh37 (hg19) VCF-style: chr19-54657442-C-T.
Identifiers: ClinVar variation 3047501 (VCV003047501.2), dbSNP rs761424578, ClinGen allele CA309341027.

ClinVar aggregate classification (germline): Likely benign (0 of 4 stars; one submission).

Conditions:
CNOT3-related disorder. Also called: CNOT3-related condition.

Allele frequency attached by ClinVar (database versions not stated): gnomAD 0.00001; ExAC 0.00002.
gnomAD v4.1: 9 of 1,613,228 alleles (0.00056%); highest among the groups gnomAD compares: Admixed American, 0.0017%; no homozygotes.

Submission:

PreventionGenetics, part of Exact Sciences
Classification: Likely benign for CNOT3-related condition. Last evaluated: 2019-02-21. Review status: no assertion criteria provided. Collection method: clinical testing. Allele origin: germline.
Comment: This variant is classified as likely benign based on ACMG/AMP sequence variant interpretation guidelines (Richards et al. 2015 PMID: 25741868, with internal and published modifications).